The following is an entry in ClinVar:

ClinVar aggregate classification (germline): Likely benign (1 of 4 stars; one submission).

gnomAD v4.1: 58 of 1,611,432 alleles (0.0036%); highest among the groups gnomAD compares: South Asian, 0.06%; 1 homozygote.

Submission:

CeGaT Center for Human Genetics Tuebingen
Classification: Likely benign. Last evaluated: 2025-11-01. Review status: criteria provided, single submitter. Criteria: CeGaT Center For Human Genetics Tuebingen Variant Classification Criteria Version 2. Collection method: clinical testing. Allele origin: germline. Affected: yes. Observed: 1 variant allele.
Comment: ACTL6A: BP4, BP7

NM_004301.5(ACTL6A):c.768T>C (p.Asn256=)

Gene: ACTL6A (actin like 6A; plus strand). Cytogenetic location: 3q26.33.
Variant type: single nucleotide variant.
Coding change: c.768T>C on transcript NM_004301.5 (MANE Select); coding-DNA position 768, T replaced by C.
Protein change: p.Asn256=; no amino-acid change (asparagine 256 retained).
Molecular consequence: synonymous variant.
Genome position (GRCh38, 1-based): chr3:179,576,913, T>C. VCF-style: chr3-179576913-T-C. GRCh37 (hg19) VCF-style: chr3-179294701-T-C.
Other names: c.642T>C, p.Asn214= (NM_177989.4, NM_178042.4).
Identifiers: ClinVar variation 4535305 (VCV004535305.6).